The following is an entry in ClinVar:

ClinVar aggregate classification (germline): Uncertain significance (1 of 4 stars; one submission).

Submission:

Labcorp Genetics (formerly Invitae), Labcorp
Classification: Uncertain significance. Last evaluated: 2023-10-17. Review status: criteria provided, single submitter. Criteria: Invitae Variant Classification Sherloc (09022015). Collection method: clinical testing. Allele origin: germline.
Comment: This sequence change replaces threonine, which is neutral and polar, with serine, which is neutral and polar, at codon 210 of the RORB protein (p.Thr210Ser). This variant is not present in population databases (gnomAD no frequency). This variant has not been reported in the literature in individuals affected with RORB-related conditions. Algorithms developed to predict the effect of missense changes on protein structure and function output the following: SIFT: "Not Available"; PolyPhen-2: "Benign"; Align-GVGD: "Not Available". The serine amino acid residue is found in multiple mammalian species, which suggests that this missense change does not adversely affect protein function. In summary, the available evidence is currently insufficient to determine the role of this variant in disease. Therefore, it has been classified as a Variant of Uncertain Significance.

NM_006914.4(RORB):c.629C>G (p.Thr210Ser)

Gene: RORB (RAR related orphan receptor B; plus strand). Cytogenetic location: 9q21.13.
Variant type: single nucleotide variant.
Coding change: c.629C>G on transcript NM_006914.4 (MANE Select); coding-DNA position 629, C replaced by G.
Protein change: p.Thr210Ser; replaces threonine 210 with serine.
Molecular consequence: missense variant.
Genome position (GRCh38, 1-based): chr9:74,642,807, C>G. VCF-style: chr9-74642807-C-G. GRCh37 (hg19) VCF-style: chr9-77257723-C-G.
Other names: c.662C>G, p.Thr221Ser (NM_001365023.1); short protein forms T210S, T221S.
Identifiers: ClinVar variation 2788456 (VCV002788456.3), dbSNP rs2489584874, ClinGen allele CA373770282.